The following is an entry in ClinVar:

ClinVar aggregate classification (germline): Uncertain significance (1 of 4 stars; one submission).

Allele frequency attached by ClinVar (database versions not stated): gnomAD exomes below 0.00001.
gnomAD v4.1: 2 of 1,613,318 alleles (0.00012%); highest among the groups gnomAD compares: Non-Finnish European, 0.00017%; no homozygotes.

Submission:

Labcorp Genetics (formerly Invitae), Labcorp
Classification: Uncertain significance. Last evaluated: 2025-04-28. Review status: criteria provided, single submitter. Criteria: Invitae Variant Classification Sherloc (09022015). Collection method: clinical testing. Allele origin: germline.
Comment: This sequence change replaces proline, which is neutral and non-polar, with leucine, which is neutral and non-polar, at codon 492 of the COL9A1 protein (p.Pro492Leu). This variant is not present in population databases (gnomAD no frequency). This variant has not been reported in the literature in individuals affected with COL9A1-related conditions. ClinVar contains an entry for this variant (Variation ID: 2122114). Invitae Evidence Modeling of protein sequence and biophysical properties (such as structural, functional, and spatial information, amino acid conservation, physicochemical variation, residue mobility, and thermodynamic stability) indicates that this missense variant is not expected to disrupt COL9A1 protein function with a negative predictive value of 95%. In summary, the available evidence is currently insufficient to determine the role of this variant in disease. Therefore, it has been classified as a Variant of Uncertain Significance.

NM_001851.6(COL9A1):c.1475C>T (p.Pro492Leu)

Gene: COL9A1 (collagen type IX alpha 1 chain; minus strand). Cytogenetic location: 6q13.
Variant type: single nucleotide variant.
Coding change: c.1475C>T on transcript NM_001851.6 (MANE Select); coding-DNA position 1475, C replaced by T.
Protein change: p.Pro492Leu; replaces proline 492 with leucine.
Molecular consequence: missense variant. On other transcripts: non-coding transcript variant (1).
Genome position (GRCh38, 1-based): chr6:70,256,796, G>A on the plus strand (C>T on the coding strand, the complement: COL9A1 is on the minus strand). VCF-style: chr6-70256796-G-A. GRCh37 (hg19) VCF-style: chr6-70966499-G-A.
Other names: c.746C>T, p.Pro249Leu (NM_001377289.1, NM_001377290.1, NM_078485.4); short protein forms P249L, P492L.
Identifiers: ClinVar variation 2122114 (VCV002122114.4), dbSNP rs2483327043, ClinGen allele CA364678455.
Genomic context (GRCh38, chr6:70,256,796, plus strand): 5'-TCATTGGGTTTTGTGGAAGGAAAATCACTTACAGGTGCACCAGGAAGACCCTGAGGCCCA[G>A]GTTCACCATCTAAGCCCCGAGCACCCTGCAAAAAAACAAGACAATGGAAAAAAACTGAGA-3'
Protein context (NP_001842.3, residues 482-502): EKGARGLDGE[Pro492Leu]GPQGLPGAPG